The following is an entry in ClinVar:

NM_032776.3(JMJD1C):c.3640C>T (p.His1214Tyr)

Gene: JMJD1C (jumonji domain containing 1C; minus strand). Cytogenetic location: 10q21.3.
Variant type: single nucleotide variant.
Coding change: c.3640C>T on transcript NM_032776.3 (MANE Select); coding-DNA position 3640, C replaced by T.
Protein change: p.His1214Tyr; replaces histidine 1214 with tyrosine.
Molecular consequence: missense variant. On other transcripts: non-coding transcript variant (1).
Genome position (GRCh38, 1-based): chr10:63,208,029, G>A on the plus strand (C>T on the coding strand, the complement: JMJD1C is on the minus strand). VCF-style: chr10-63208029-G-A. GRCh37 (hg19) VCF-style: chr10-64967789-G-A.
Other names: c.3094C>T, p.His1032Tyr (NM_001282948.2, NM_001318154.2); c.2776C>T, p.His926Tyr (NM_001318153.2); c.3526C>T, p.His1176Tyr (NM_001322252.2); c.2983C>T, p.His995Tyr (NM_001322254.2, NM_001322258.2); short protein forms H1032Y, H1214Y, H1176Y, H926Y, H995Y.
Identifiers: ClinVar variation 1521635 (VCV001521635.6), dbSNP rs1554837183, ClinGen allele CA377040804.

ClinVar aggregate classification (germline): Uncertain significance (1 of 4 stars; one submission).

Conditions:
Early Myoclonic Encephalopathy. Identifiers: MedGen C0270855.

gnomAD v4.1: 2 of 1,614,160 alleles (0.00012%); highest among the groups gnomAD compares: Non-Finnish European, 0.000085%; no homozygotes.

Submission:

Labcorp Genetics (formerly Invitae), Labcorp
Classification: Uncertain significance for Early Myoclonic Encephalopathy. Last evaluated: 2025-02-03. Review status: criteria provided, single submitter. Criteria: Invitae Variant Classification Sherloc (09022015). Collection method: clinical testing. Allele origin: germline.
Comment: This sequence change replaces histidine, which is basic and polar, with tyrosine, which is neutral and polar, at codon 1214 of the JMJD1C protein (p.His1214Tyr). This variant is not present in population databases (gnomAD no frequency). This variant has not been reported in the literature in individuals affected with JMJD1C-related conditions. ClinVar contains an entry for this variant (Variation ID: 1521635). Invitae Evidence Modeling of protein sequence and biophysical properties (such as structural, functional, and spatial information, amino acid conservation, physicochemical variation, residue mobility, and thermodynamic stability) indicates that this missense variant is expected to disrupt JMJD1C protein function with a positive predictive value of 80%. In summary, the available evidence is currently insufficient to determine the role of this variant in disease. Therefore, it has been classified as a Variant of Uncertain Significance.